The following is an entry in ClinVar:

NM_000618.5(IGF1):c.209G>A (p.Gly70Asp)

Genes: IGF1 (insulin like growth factor 1; minus strand), LINC02456 (long intergenic non-protein coding RNA 2456; plus strand). Cytogenetic location: 12q23.2.
Variant type: single nucleotide variant.
Coding change: c.209G>A on transcript NM_000618.5 (MANE Select); coding-DNA position 209, G replaced by A.
Protein change: p.Gly70Asp; replaces glycine 70 with aspartic acid.
Molecular consequence: missense variant.
Genome position (GRCh38, 1-based): chr12:102,475,654, C>T on the plus strand (G>A on the coding strand, the complement: IGF1 is on the minus strand). VCF-style: chr12-102475654-C-T. GRCh37 (hg19) VCF-style: chr12-102869432-C-T.
Other names: c.209G>A, p.Gly70Asp (NM_001111283.3, NM_001111285.3, NM_001414005.1 and 1 more transcripts); c.161G>A, p.Gly54Asp (NM_001111284.2, NM_001414006.1); short protein forms G54D, G70D.
Identifiers: ClinVar variation 2663117 (VCV002663117.1), dbSNP rs2499845802, ClinGen allele CA386491447.
Genomic context (GRCh38, chr12:102,475,654, plus strand): 5'-GCTGTACACTTTAGACTTGAGCAGCACATTGAGAGGGAGGGCTACTTACTGAAATAAAAG[C>T]CCCTGTCTCCACACACGAACTGAAGAGCATCCACCAGCTCAGCCCCGCAGAGCGTCTCCG-3'
Protein context (NP_000609.1, residues 60-80): DALQFVCGDR[Gly70Asp]FYFNKPTGYG

ClinVar aggregate classification (germline): Uncertain significance (1 of 4 stars; one submission).

Submission:

GeneDx
Classification: Uncertain significance. Last evaluated: 2023-05-03. Review status: criteria provided, single submitter. Criteria: GeneDx Variant Classification Process June 2021. Collection method: clinical testing. Allele origin: germline. Affected: yes.
Comment: Not observed at significant frequency in large population cohorts (gnomAD); In silico analysis supports that this missense variant has a deleterious effect on protein structure/function; Has not been previously published as pathogenic or benign to our knowledge